The following is an entry in ClinVar:

NM_173598.6(KSR2):c.714C>G (p.Pro238=)

Gene: KSR2 (kinase suppressor of ras 2; minus strand). Cytogenetic location: 12q24.23.
Variant type: single nucleotide variant.
Coding change: c.714C>G on transcript NM_173598.6 (MANE Select); coding-DNA position 714, C replaced by G.
Protein change: p.Pro238=; no amino-acid change (proline 238 retained).
Molecular consequence: synonymous variant.
Genome position (GRCh38, 1-based): chr12:117,761,283, G>C on the plus strand (C>G on the coding strand, the complement: KSR2 is on the minus strand). VCF-style: chr12-117761283-G-C. GRCh37 (hg19) VCF-style: chr12-118199088-G-C.
Other names: c.627C>G (NM_173598.4).
Identifiers: ClinVar variation 2720947 (VCV002720947.5), dbSNP rs567173947, ClinGen allele CA6816271.

ClinVar aggregate classification (germline): Benign. Review status: criteria provided, single submitter (1 of 4 stars). 2 submissions from 2 submitters: Benign (1). 1 of the submissions does not count toward it. Last evaluated 2024-05-14.

Conditions:
KSR2-related disorder. Also called: KSR2-related condition.

Allele frequency attached by ClinVar (database versions not stated): gnomAD 0.00012; TOPMed 0.00012; 1000 Genomes Project 30x 0.00031; ExAC 0.00032; 1000 Genomes Project 0.00040.
gnomAD v4.1: 311 of 1,519,860 alleles (0.02%); highest among the groups gnomAD compares: South Asian, 0.29%; 5 homozygotes.

Submissions (2):

Labcorp Genetics (formerly Invitae), Labcorp
Classification: Benign. Last evaluated: 2024-05-14. Review status: criteria provided, single submitter. Criteria: Invitae Variant Classification Sherloc (09022015). Collection method: clinical testing. Allele origin: germline.

PreventionGenetics, part of Exact Sciences
Classification: Likely benign for KSR2-related condition. Last evaluated: 2020-08-31. Review status: no assertion criteria provided. Collection method: clinical testing. Allele origin: germline. Not counted in ClinVar's aggregate classification.
Comment: This variant is classified as likely benign based on ACMG/AMP sequence variant interpretation guidelines (Richards et al. 2015 PMID: 25741868, with internal and published modifications).